The following is an entry in ClinVar:

NM_144992.5(VWA3B):c.2757G>A (p.Lys919=)

Gene: VWA3B (von Willebrand factor A domain containing 3B; plus strand). Cytogenetic location: 2q11.2.
Variant type: single nucleotide variant.
Coding change: c.2757G>A on transcript NM_144992.5 (MANE Select); coding-DNA position 2757, G replaced by A.
Protein change: p.Lys919=; no amino-acid change (lysine 919 retained).
Molecular consequence: synonymous variant. On other transcripts: non-coding transcript variant (1).
Genome position (GRCh38, 1-based): chr2:98,250,401, G>A. VCF-style: chr2-98250401-G-A. GRCh37 (hg19) VCF-style: chr2-98866864-G-A.
Other names: c.1728G>A, p.Lys576= (NM_001345864.2).
Identifiers: ClinVar variation 3057325 (VCV003057325.2), dbSNP rs1419859426, ClinGen allele CA427564839.

ClinVar aggregate classification (germline): Likely benign (0 of 4 stars; one submission).

Conditions:
VWA3B-related disorder. Also called: VWA3B-related condition.

Allele frequency attached by ClinVar (database versions not stated): gnomAD exomes below 0.00001; gnomAD 0.00001.
gnomAD v4.1: 7 of 1,612,582 alleles (0.00043%); highest among the groups gnomAD compares: African/African-American, 0.0013%; no homozygotes.

Submission:

PreventionGenetics, part of Exact Sciences
Classification: Likely benign for VWA3B-related condition. Last evaluated: 2020-07-10. Review status: no assertion criteria provided. Collection method: clinical testing. Allele origin: germline.
Comment: This variant is classified as likely benign based on ACMG/AMP sequence variant interpretation guidelines (Richards et al. 2015 PMID: 25741868, with internal and published modifications).